The following is an entry in ClinVar:

NM_006259.3(PRKG2):c.1904_1905insCACCTCTTCAGAGAAATGCAAAAATAACCTAACTAGTGATAAAGTGTATATACTTTAAGAGCGTA (p.Ser635_Leu636insThrSerSerGluLysCysLysAsnAsnLeuThrSerAspLysValTyrIleLeuTer)

Gene: PRKG2 (protein kinase cGMP-dependent 2; minus strand). Cytogenetic location: 4q21.21.
Variant type: Insertion.
Coding change: c.1904_1905insCACCTCTTCAGAGAAATGCAAAAATAACCTAACTAGTGATAAAGTGTATATACTTTAAGAGCGTA on transcript NM_006259.3 (MANE Select); coding-DNA positions 1904 to 1905, CACCTCTTCAGAGAAATGCAAAAATAACCTAACTAGTGATAAAGTGTATATACTTTAAGAGCGTA inserted.
Protein change: p.Ser635_Leu636insThrSerSerGluLysCysLysAsnAsnLeuThrSerAspLysValTyrIleLeuTer.
Molecular consequence: nonsense, inframe insertion.
Genome position: GRCh38: chr4:81,110,483-81,110,484. GRCh37 (hg19): chr4:82,031,637-82,031,638.
Other names: c.644_645insCACCTCTTCAGAGAAATGCAAAAATAACCTAACTAGTGATAAAGTGTATATACTTTAAGAGCGTA, p.Ser215_Leu216insThrSerSerGluLysCysLysAsnAsnLeuThrSerAspLysValTyrIleLeuTer (NM_001282480.1, NM_001282481.1); c.557_558insCACCTCTTCAGAGAAATGCAAAAATAACCTAACTAGTGATAAAGTGTATATACTTTAAGAGCGTA, p.Ser186_Leu187insThrSerSerGluLysCysLysAsnAsnLeuThrSerAspLysValTyrIleLeuTer (NM_001282482.1); c.464_465insCACCTCTTCAGAGAAATGCAAAAATAACCTAACTAGTGATAAAGTGTATATACTTTAAGAGCGTA, p.Ser155_Leu156insThrSerSerGluLysCysLysAsnAsnLeuThrSerAspLysValTyrIleLeuTer (NM_001282483.1); c.1817_1818insCACCTCTTCAGAGAAATGCAAAAATAACCTAACTAGTGATAAAGTGTATATACTTTAAGAGCGTA, p.Ser606_Leu607insThrSerSerGluLysCysLysAsnAsnLeuThrSerAspLysValTyrIleLeuTer (NM_001282485.2); c.1904_1905insCACCTCTTCAGAGAAATGCAAAAATAACCTAACTAGTGATAAAGTGTATATACTTTAAGAGCGTA, p.Ser635_Leu636insThrSerSerGluLysCysLysAsnAsnLeuThrSerAspLysValTyrIleLeuTer (NM_001363401.2).
Identifiers: ClinVar variation 2164608 (VCV002164608.1), dbSNP rs781506018, ClinGen allele CA2580071826.

ClinVar aggregate classification (germline): Pathogenic (1 of 4 stars; one submission).

Submission:

Labcorp Genetics (formerly Invitae), Labcorp
Classification: Pathogenic. Last evaluated: 2022-07-05. Review status: criteria provided, single submitter. Criteria: Invitae Variant Classification Sherloc (09022015). Collection method: clinical testing. Allele origin: germline.
Comment: This sequence change creates a premature translational stop signal (p.Leu636Thrfs*19) in the PRKG2 gene. It is expected to result in an absent or disrupted protein product. Loss-of-function variants in PRKG2 are known to be pathogenic (PMID: 19149413, 33106379). This variant is not present in population databases (gnomAD no frequency). This variant has not been reported in the literature in individuals affected with PRKG2-related conditions. Algorithms developed to predict the effect of sequence changes on RNA splicing suggest that this variant may disrupt the consensus splice site. For these reasons, this variant has been classified as Pathogenic.

Literature cited by the submitters: PubMed 19149413; PubMed 33106379.